The following is an entry in ClinVar:

ClinVar aggregate classification (germline): Pathogenic (1 of 4 stars; one submission).

Conditions:
Waardenburg syndrome type 2A (WS2A). Also called: WAARDENBURG SYNDROME WITHOUT DYSTOPIA CANTHORUM. Identifiers: Orphanet 3440, MedGen C1860339, MONDO:0008671, OMIM 193510.
Melanoma, cutaneous malignant, susceptibility to, 8. Also called: Cutaneous malignant melanoma 8; MELANOMA AND RENAL CELL CARCINOMA, SUSCEPTIBILITY TO. Identifiers: Orphanet 293822, MedGen C3152204, MONDO:0013759, OMIM 614456.
Tietz syndrome (TADS). Also called: ALBINISM-DEAFNESS OF TIETZ; TIETZ ALBINISM-DEAFNESS SYNDROME; HYPOPIGMENTATION/DEAFNESS OF TIETZ. Identifiers: Orphanet 42665, MedGen C0391816, MONDO:0007077, OMIM 103500.

Submission:

Labcorp Genetics (formerly Invitae), Labcorp
Classification: Pathogenic for Melanoma, cutaneous malignant, susceptibility to, 8; Waardenburg syndrome type 2A; Tietz syndrome. Last evaluated: 2022-08-01. Review status: criteria provided, single submitter. Criteria: Invitae Variant Classification Sherloc (09022015). Collection method: clinical testing. Allele origin: germline.
Comment: For these reasons, this variant has been classified as Pathogenic. Algorithms developed to predict the effect of sequence changes on RNA splicing suggest that this variant may create or strengthen a splice site. This variant has not been reported in the literature in individuals affected with MITF-related conditions. This variant is not present in population databases (gnomAD no frequency). This sequence change creates a premature translational stop signal (p.Leu148*) in the MITF gene. It is expected to result in an absent or disrupted protein product. Loss-of-function variants in MITF are known to be pathogenic (PMID: 8659547, 20127975).

Literature cited by the submitters: PubMed 8659547; PubMed 20127975.

NM_001354604.2(MITF):c.764T>A (p.Leu255Ter)

Gene: MITF (melanocyte inducing transcription factor; plus strand). Cytogenetic location: 3p13.
Variant type: single nucleotide variant.
Coding change: c.764T>A on transcript NM_001354604.2 (MANE Select); coding-DNA position 764, T replaced by A.
Protein change: p.Leu255Ter; replaces leucine 255 with a stop codon.
Molecular consequence: nonsense.
Genome position (GRCh38, 1-based): chr3:69,949,052, T>A. VCF-style: chr3-69949052-T-A. GRCh37 (hg19) VCF-style: chr3-69998203-T-A.
Other names: c.443T>A, p.Leu148Ter (NM_000248.4, NM_198158.3); c.608T>A, p.Leu203Ter (NM_001184967.2, NM_001354608.2); c.761T>A, p.Leu254Ter (NM_001354605.2, NM_001354606.2, NM_006722.3); c.713T>A, p.Leu238Ter (NM_001354607.2); c.764T>A, p.Leu255Ter (NM_198159.3); c.716T>A, p.Leu239Ter (NM_198177.3); c.275T>A, p.Leu92Ter (NM_198178.3); short protein forms L203*, L254*, L148*, L239*, L255*, L238*, L92*.
Identifiers: ClinVar variation 2020473 (VCV002020473.4), dbSNP rs2471620779, ClinGen allele CA353561242.